The following is an entry in ClinVar:

NM_005458.8(GABBR2):c.1065C>G (p.His355Gln)

Gene: GABBR2 (gamma-aminobutyric acid type B receptor subunit 2; minus strand). Cytogenetic location: 9q22.33.
Variant type: single nucleotide variant.
Coding change: c.1065C>G on transcript NM_005458.8 (MANE Select); coding-DNA position 1065, C replaced by G.
Protein change: p.His355Gln; replaces histidine 355 with glutamine.
Molecular consequence: missense variant.
Genome position (GRCh38, 1-based): chr9:98,454,152, G>C on the plus strand (C>G on the coding strand, the complement: GABBR2 is on the minus strand). VCF-style: chr9-98454152-G-C. GRCh37 (hg19) VCF-style: chr9-101216434-G-C.
Other names: short protein forms H355Q.
Identifiers: ClinVar variation 1708975 (VCV001708975.2), dbSNP rs1290263823, ClinGen allele CA374350665.

ClinVar aggregate classification (germline): Uncertain significance (1 of 4 stars; one submission).

Conditions:
Developmental and epileptic encephalopathy, 59. Also called: Early infantile epileptic encephalopathy 59. Identifiers: MedGen C4693550, MONDO:0033368, OMIM 617904.

Submission:

MGZ Medical Genetics Center
Classification: Uncertain significance for Developmental and epileptic encephalopathy, 59. Last evaluated: 2021-12-01. Review status: criteria provided, single submitter. Criteria: ACMG Guidelines, 2015. Collection method: clinical testing. Allele origin: germline. Affected: yes. Observed: 1 variant allele.
Comment: ACMG criteria applied: PM2_SUP, PP2, PP3